The following is an entry in ClinVar:

NM_014140.4(SMARCAL1):c.723C>A (p.Cys241Ter)

Gene: SMARCAL1 (SNF2 related chromatin remodeling annealing helicase 1; plus strand). Cytogenetic location: 2q35.
Variant type: single nucleotide variant.
Coding change: c.723C>A on transcript NM_014140.4 (MANE Select); coding-DNA position 723, C replaced by A.
Protein change: p.Cys241Ter; replaces cysteine 241 with a stop codon.
Molecular consequence: nonsense.
Genome position (GRCh38, 1-based): chr2:216,415,427, C>A. VCF-style: chr2-216415427-C-A. GRCh37 (hg19) VCF-style: chr2-217280150-C-A.
Other names: c.723C>A, p.Cys241Ter (NM_001127207.2); short protein forms C241*.
Identifiers: ClinVar variation 374208 (VCV000374208.9), dbSNP rs748106387, ClinGen allele CA16043385.

ClinVar aggregate classification (germline): Pathogenic. Review status: criteria provided, multiple submitters, no conflicts (2 of 4 stars). 3 submissions from 2 submitters: Pathogenic (3). Last evaluated 2022-07-13.

Conditions:
Schimke immuno-osseous dysplasia (SIOD). Also called: Schimke Immunoosseous Dysplasia. Identifiers: Orphanet 1830, MedGen C0877024, MONDO:0009458, OMIM 242900.
Familial atrioventricular septal defect. Also called: AVC DEFECT. Identifiers: Orphanet 98722, MedGen CN029142, MONDO:0020290.
Steroid-resistant nephrotic syndrome. Identifiers: MedGen C0403397, MONDO:0044765, HP:0012588.
Focal segmental glomerulosclerosis (FSGS). Also called: Glomerulosclerosis, focal; Focal sclerosis with hyalinosis. Identifiers: MedGen C0017668, MONDO:0100313, HP:0000097. Disease mechanism: loss of function.
Short stature. Identifiers: MedGen C0349588, HP:0004322.
Disproportionate short-trunk short stature. Identifiers: MedGen C1846435, HP:0003521.
Decreased body weight. Identifiers: MedGen C5574742, HP:0004325.
Small for gestational age. Also called: Low birth weight. Identifiers: MedGen C0235991, HP:0001518.
Microcephaly. Also called: Microcephaly (disease). Identifiers: MedGen C4551563, MONDO:0001149, HP:0000252.
Primary microcephaly. Also called: Congenital microcephaly. Identifiers: MedGen C2677180, HP:0011451.

Submissions (3):

Labcorp Genetics (formerly Invitae), Labcorp
Classification: Pathogenic for Schimke immuno-osseous dysplasia. Last evaluated: 2022-07-13. Review status: criteria provided, single submitter. Criteria: Invitae Variant Classification Sherloc (09022015). Collection method: clinical testing. Allele origin: germline.
Comment: This variant is not present in population databases (gnomAD no frequency). This sequence change creates a premature translational stop signal (p.Cys241*) in the SMARCAL1 gene. It is expected to result in an absent or disrupted protein product. Loss-of-function variants in SMARCAL1 are known to be pathogenic (PMID: 11799392, 20301550). This variant has not been reported in the literature in individuals affected with SMARCAL1-related conditions. ClinVar contains an entry for this variant (Variation ID: 374208). Algorithms developed to predict the effect of sequence changes on RNA splicing suggest that this variant may create or strengthen a splice site. For these reasons, this variant has been classified as Pathogenic.

Centre for Mendelian Genomics, University Medical Centre Ljubljana
Classification: Pathogenic for Schimke immuno-osseous dysplasia. Last evaluated: 2016-01-01. Review status: criteria provided, single submitter. Criteria: ACMG Guidelines, 2015. Collection method: clinical testing. Allele origin: unknown. Affected: yes.
Comment: This variant was classified as: Pathogenic.

Centre for Mendelian Genomics, University Medical Centre Ljubljana
Classification: Pathogenic for Atrioventricular canal defect; Primary microcephaly; Decreased body weight; Disproportionate short-trunk short stature; Focal segmental glomerulosclerosis; Microcephaly; Short stature; Small for gestational age; Steroid-resistant nephrotic syndrome. Last evaluated: 2014-03-04. Review status: criteria provided, single submitter. Criteria: ACMG Guidelines, 2015. Collection method: clinical testing. Allele origin: unknown. Affected: yes.

Literature cited by the submitters: PubMed 11799392 (cited by Labcorp Genetics (formerly Invitae), Labcorp); PubMed 20301550 (cited by Labcorp Genetics (formerly Invitae), Labcorp).